The following is an entry in ClinVar:

ClinVar aggregate classification (germline): Conflicting classifications of pathogenicity. Review status: criteria provided, conflicting classifications (1 of 4 stars). 3 submissions from 3 submitters: Uncertain significance (2); Benign (1). Last evaluated 2024-11-26.

Allele frequency attached by ClinVar (database versions not stated): ESP Exome Variant Server 0.00008; TOPMed 0.00008; gnomAD exomes 0.00010 and 0.00021; gnomAD 0.00014 and 0.00015; ExAC 0.00026.
gnomAD v4.1: 174 of 1,613,158 alleles (0.011%); highest among the groups gnomAD compares: Non-Finnish European, 0.01%; no homozygotes.

Submissions (3):

Blueprint Genetics
Classification: Benign. Last evaluated: 2024-11-26. Review status: criteria provided, single submitter. Criteria: ACMG Guidelines, 2015. Collection method: clinical testing. Allele origin: germline.

Labcorp Genetics (formerly Invitae), Labcorp
Classification: Uncertain significance. Last evaluated: 2024-10-16. Review status: criteria provided, single submitter. Criteria: Invitae Variant Classification Sherloc (09022015). Collection method: clinical testing. Allele origin: germline.
Comment: This sequence change replaces isoleucine, which is neutral and non-polar, with valine, which is neutral and non-polar, at codon 564 of the AGBL5 protein (p.Ile564Val). This variant is present in population databases (rs367947882, gnomAD 0.1%). This variant has not been reported in the literature in individuals affected with AGBL5-related conditions. ClinVar contains an entry for this variant (Variation ID: 1060867). An algorithm developed to predict the effect of missense changes on protein structure and function (PolyPhen-2) suggests that this variant is likely to be tolerated. In summary, the available evidence is currently insufficient to determine the role of this variant in disease. Therefore, it has been classified as a Variant of Uncertain Significance.

Breakthrough Genomics
Classification: Uncertain significance. Review status: criteria provided, single submitter. Criteria: ACMG Guidelines, 2015. Collection method: not provided. Allele origin: germline. Inheritance: Autosomal recessive inheritance. Affected: yes.

NM_021831.6(AGBL5):c.1690A>G (p.Ile564Val)

Gene: AGBL5 (AGBL carboxypeptidase 5; plus strand). Cytogenetic location: 2p23.3.
Variant type: single nucleotide variant.
Coding change: c.1690A>G on transcript NM_021831.6 (MANE Select); coding-DNA position 1690, A replaced by G.
Protein change: p.Ile564Val; replaces isoleucine 564 with valine.
Molecular consequence: missense variant. On other transcripts: non-coding transcript variant (2).
Genome position (GRCh38, 1-based): chr2:27,058,418, A>G. VCF-style: chr2-27058418-A-G. GRCh37 (hg19) VCF-style: chr2-27281286-A-G.
Other names: c.1690A>G, p.Ile564Val (NM_001035507.3); short protein forms I564V.
Identifiers: ClinVar variation 1060867 (VCV001060867.11), dbSNP rs367947882, ClinGen allele CA1567944.